The following is an entry in ClinVar:

ClinVar aggregate classification (germline): Likely benign. Review status: criteria provided, multiple submitters, no conflicts (2 of 4 stars). 4 submissions from 4 submitters: Likely benign (3). 1 of the submissions does not count toward it. Last evaluated 2026-01-28.

Conditions:
Menkes kinky-hair syndrome (MNK). Also called: Copper transport disease; Classic Menkes Disease; Menkes Disease. Identifiers: Orphanet 565, MedGen C0022716, MONDO:0010651, OMIM 309400.
Cutis laxa, X-linked (OHS). Also called: EDS IX; Occipital horn syndrome. Identifiers: Orphanet 198, MedGen C0268353, MONDO:0010572, OMIM 304150.
X-linked distal spinal muscular atrophy type 3. Also called: SPINAL MUSCULAR ATROPHY, DISTAL, X-LINKED RECESSIVE; NEURONOPATHY, DISTAL HEREDITARY MOTOR, X-LINKED; NEUROPATHY, DISTAL HEREDITARY MOTOR, X-LINKED; ATP7A-Related Distal Motor Neuropathy. Identifiers: Orphanet 139557, MedGen C1845359, MONDO:0010338, OMIM 300489.

Allele frequency attached by ClinVar (database versions not stated): ExAC 0.00001; gnomAD 0.00002; gnomAD exomes 0.00002 and 0.00008; TOPMed 0.00003.
gnomAD v4.1: 86 of 1,209,690 alleles (0.0071%); highest among the groups gnomAD compares: Non-Finnish European, 0.0093%; no homozygotes.

Submissions (4):

Labcorp Genetics (formerly Invitae), Labcorp
Classification: Likely benign for X-linked distal spinal muscular atrophy type 3; Cutis laxa, X-linked; Menkes kinky-hair syndrome. Last evaluated: 2026-01-28. Review status: criteria provided, single submitter. Criteria: Invitae Variant Classification Sherloc (09022015). Collection method: clinical testing. Allele origin: germline.

Women's Health and Genetics/Laboratory Corporation of America, LabCorp
Classification: Likely benign. Last evaluated: 2025-12-02. Review status: criteria provided, single submitter. Criteria: LabCorp Variant Classification Summary - May 2015. Collection method: clinical testing. Allele origin: germline.
Comment: Variant summary: ATP7A c.317C>T (p.Thr106Ile) results in a non-conservative amino acid change in the encoded protein sequence. Algorithms developed to predict the effect of missense changes on protein structure and function are either unavailable or do not agree on the potential impact of this missense change. The variant allele was found at a frequency of 1.6e-05 in 183328 control chromosomes (gnomAD). In the gnomAD v4.1 database, the variant was found in multiple hemizygous controls, suggesting it is a benign polymorphism. To our knowledge, no occurrence of c.317C>T in individuals affected with ATP7A-related conditions and no experimental evidence demonstrating its impact on protein function have been reported. ClinVar contains an entry for this variant (Variation ID: 579684). Based on the evidence outlined above, the variant was classified as likely benign.

CeGaT Center for Human Genetics Tuebingen
Classification: Likely benign. Last evaluated: 2023-02-01. Review status: criteria provided, single submitter. Criteria: CeGaT Center For Human Genetics Tuebingen Variant Classification Criteria Version 2. Collection method: clinical testing. Allele origin: germline. Affected: yes. Observed: 1 variant allele.
Comment: ATP7A: BP4

Natera, Inc.
Classification: Likely benign for Menkes kinky hair syndrome. Last evaluated: 2019-10-28. Review status: no assertion criteria provided. Collection method: clinical testing. Allele origin: germline. Not counted in ClinVar's aggregate classification.

NM_000052.7(ATP7A):c.317C>T (p.Thr106Ile)

Gene: ATP7A (ATPase copper transporting alpha; plus strand). Cytogenetic location: Xq21.1.
Variant type: single nucleotide variant.
Coding change: c.317C>T on transcript NM_000052.7 (MANE Select); coding-DNA position 317, C replaced by T.
Protein change: p.Thr106Ile; replaces threonine 106 with isoleucine.
Molecular consequence: missense variant.
Genome position (GRCh38, 1-based): chrX:77,988,438, C>T. VCF-style: chrX-77988438-C-T. GRCh37 (hg19) VCF-style: chrX-77243934-C-T.
Other names: c.317C>T, p.Thr106Ile (NM_001282224.2); short protein forms T106I.
Identifiers: ClinVar variation 579684 (VCV000579684.38), dbSNP rs782647620, ClinGen allele CA10458908.